The following is an entry in ClinVar:

NM_000545.8(HNF1A):c.1516_1624-30del

Gene: HNF1A (HNF1 homeobox A; plus strand). Cytogenetic location: 12q24.31.
Variant type: Deletion.
Coding change: c.1516_1624-30del on transcript NM_000545.8 (MANE Select); coding-DNA position 1516 through 30 bases into the intron before coding-DNA position 1624, 172 bases deleted.
Molecular consequence: splice donor variant.
Genome position (GRCh38, 1-based): chr12:120,999,282-120,999,453, 172 bases deleted. GRCh37 (hg19): chr12:121,437,085-121,437,256.
Other names: c.1516_1624-9del (NM_001306179.2).
Identifiers: ClinVar variation 805630 (VCV000805630.2), dbSNP rs1592897526, ClinGen allele CA915946721.

ClinVar aggregate classification (germline): Pathogenic. Review status: criteria provided, multiple submitters, no conflicts (2 of 4 stars). 2 submissions from 2 submitters: Pathogenic (2). Last evaluated 2018-09-17.

Conditions:
Maturity-onset diabetes of the young (MODY). Also called: Maturity onset diabetes mellitus in young. Identifiers: Orphanet 552, MedGen C0342276, MONDO:0018911, HP:0004904.

Submissions (2):

Athena Diagnostics
Classification: Pathogenic. Last evaluated: 2018-09-17. Review status: criteria provided, single submitter. Criteria: Athena Diagnostics Criteria. Collection method: clinical testing. Allele origin: germline.
Comment: The variant results in a shift of the reading frame, and is therefore predicted to significantly disrupt the protein structure. Found in at least one symptomatic patient, and not found in general population data.

Clinical Genomics, Uppaluri K&H Personalized Medicine Clinic
Classification: Pathogenic for Maturity-onset diabetes of the young. Review status: criteria provided, single submitter. Criteria: K & H Uppaluri Personalized Medicine Clinic Variant Classification & Assertion Criteria_Updated V.1. Collection method: research. Allele origin: unknown. Inheritance: Autosomal dominant inheritance.
Comment: Mutations in HNF1A gene can predispose to MODY3. It is associated with both micro and macrovascular complications of diabetes, especially cardiovascular complications. Associated with glucosuria. May respond well to sulfonylureas. However, more evidence is required to confer the association of this particular variant rs1592897526 with MODY3.

Literature cited by the submitters: PubMed 31517624 (cited by Clinical Genomics, Uppaluri K&H Personalized Medicine Clinic); PubMed 32395877 (cited by Clinical Genomics, Uppaluri K&H Personalized Medicine Clinic); PubMed 35328643 (cited by Clinical Genomics, Uppaluri K&H Personalized Medicine Clinic); PubMed 35673428 (cited by Clinical Genomics, Uppaluri K&H Personalized Medicine Clinic).